The following is an entry in ClinVar:

NM_014804.3(KIAA0753):c.1756A>G (p.Lys586Glu)

Gene: KIAA0753 (KIAA0753; minus strand). Cytogenetic location: 17p13.1.
Variant type: single nucleotide variant.
Coding change: c.1756A>G on transcript NM_014804.3 (MANE Select); coding-DNA position 1756, A replaced by G.
Protein change: p.Lys586Glu; replaces lysine 586 with glutamic acid.
Molecular consequence: missense variant. On other transcripts: non-coding transcript variant (3).
Genome position (GRCh38, 1-based): chr17:6,608,421, T>C on the plus strand (A>G on the coding strand, the complement: KIAA0753 is on the minus strand). VCF-style: chr17-6608421-T-C. GRCh37 (hg19) VCF-style: chr17-6511741-T-C.
Other names: c.859A>G, p.Lys287Glu (NM_001351225.2); short protein forms K586E, K287E.
Identifiers: ClinVar variation 376793 (VCV000376793.39), dbSNP rs61735441, ClinGen allele CA8330385.
Genomic context (GRCh38, chr17:6,608,421, plus strand): 5'-GCTCAACAGCACCTGTCAGGTGACTTTCCTCTTGAGGATCTTCTTGCTGGAGAGGCTCTT[T>C]TGTGGCATCTCTGGGGCTAGTTTTCACCTTTAGCCATGCAGCACTGAAATAAATGGAAAA-3'
Protein context (NP_055619.2, residues 576-596): KVKTSPRDAT[Lys586Glu]EPLQQEDPQE

ClinVar aggregate classification (germline): Benign/Likely benign. Review status: criteria provided, multiple submitters, no conflicts (2 of 4 stars). 6 submissions from 6 submitters: Benign (2); Likely benign (4). Last evaluated 2026-09-01.

Conditions:
Orofaciodigital syndrome XV (OFD15). Also called: OFDS XV; ORAL-FACIAL-DIGITAL SYNDROME, TYPE XV. Identifiers: MedGen C4310701, MONDO:0014932, OMIM 617127.
Joubert syndrome 38. Identifiers: MedGen C5561958, MONDO:0030353, OMIM 619476.
Short-rib thoracic dysplasia 21 without polydactyly. Identifiers: MedGen C5561961, MONDO:0030356, OMIM 619479.
Inborn genetic diseases. Identifiers: MedGen C0950123, MeSH D030342.

Allele frequency attached by ClinVar (database versions not stated): 1000 Genomes Project 30x 0.00312; 1000 Genomes Project 0.00399; ExAC 0.00688; gnomAD 0.00688 and 0.00722; TOPMed 0.00698; gnomAD exomes 0.00711 and 0.00918; ESP Exome Variant Server 0.00741.
gnomAD v4.1: 13,995 of 1,568,062 alleles (0.89%); highest among the groups gnomAD compares: Non-Finnish European, 1%; 93 homozygotes.

Submissions (6):

CeGaT Center for Human Genetics Tuebingen
Classification: Benign. Last evaluated: 2026-09-01. Review status: criteria provided, single submitter. Criteria: CeGaT Center For Human Genetics Tuebingen Variant Classification Criteria Version 2. Collection method: clinical testing. Allele origin: germline. Affected: yes. Observed: 24 variant alleles.
Comment: KIAA0753: BP4, BS1, BS2

Labcorp Genetics (formerly Invitae), Labcorp
Classification: Benign. Last evaluated: 2026-01-27. Review status: criteria provided, single submitter. Criteria: Invitae Variant Classification Sherloc (09022015). Collection method: clinical testing. Allele origin: germline.

Fulgent Genetics
Classification: Likely benign for Orofaciodigital syndrome XV; Joubert syndrome 38; Short-rib thoracic dysplasia 21 without polydactyly. Last evaluated: 2022-05-26. Review status: criteria provided, single submitter. Criteria: ACMG Guidelines, 2015. Collection method: clinical testing. Allele origin: unknown.

Ambry Genetics
Classification: Likely benign for Inborn genetic diseases. Last evaluated: 2021-08-09. Review status: criteria provided, single submitter. Criteria: Ambry Variant Classification Scheme 2023. Collection method: clinical testing. Allele origin: germline.

Center for Pediatric Genomic Medicine, Children's Mercy Hospital and Clinics
Classification: Likely benign. Last evaluated: 2017-01-26. Review status: criteria provided, single submitter. Criteria: ACMG Guidelines, 2015. Collection method: clinical testing. Allele origin: germline.
ClinVar note: Converted during submission from Likely Benign to Likely benign.

Breakthrough Genomics
Classification: Likely benign. Review status: criteria provided, single submitter. Criteria: ACMG Guidelines, 2015. Collection method: not provided. Allele origin: germline. Inheritance: Autosomal recessive inheritance. Affected: yes.